The following is an entry in ClinVar:

ClinVar aggregate classification (germline): Uncertain significance. Review status: criteria provided, multiple submitters, no conflicts (2 of 4 stars). 2 submissions from 2 submitters: Uncertain significance (2). Last evaluated 2026-01-05.

Conditions:
Pancreatic adenocarcinoma. Identifiers: MedGen C0281361, MONDO:0006047, HP:0006725.

Allele frequency attached by ClinVar (database versions not stated): gnomAD exomes below 0.00001; TOPMed below 0.00001; gnomAD 0.00001.
gnomAD v4.1: 3 of 1,526,250 alleles (0.0002%); highest among the groups gnomAD compares: Admixed American, 0.004%; no homozygotes.

Submissions (2):

Labcorp Genetics (formerly Invitae), Labcorp
Classification: Uncertain significance for Pancreatic adenocarcinoma. Last evaluated: 2026-01-05. Review status: criteria provided, single submitter. Criteria: Invitae Variant Classification Sherloc (09022015). Collection method: clinical testing. Allele origin: germline.
Comment: This sequence change replaces histidine, which is basic and polar, with tyrosine, which is neutral and polar, at codon 125 of the PALLD protein (p.His125Tyr). This variant is present in population databases (no rsID available, gnomAD no frequency). This variant has not been reported in the literature in individuals affected with PALLD-related conditions. ClinVar contains an entry for this variant (Variation ID: 1928389). An algorithm developed to predict the effect of missense changes on protein structure and function (PolyPhen-2) suggests that this variant is likely to be tolerated. In summary, the available evidence is currently insufficient to determine the role of this variant in disease. Therefore, it has been classified as a Variant of Uncertain Significance.

Ambry Genetics
Classification: Uncertain significance. Last evaluated: 2024-12-21. Review status: criteria provided, single submitter. Criteria: Ambry Variant Classification Scheme 2023. Collection method: clinical testing. Allele origin: germline.
Comment: The p.H125Y variant (also known as c.373C>T), located in coding exon 1 of the PALLD gene, results from a C to T substitution at nucleotide position 373. The histidine at codon 125 is replaced by tyrosine, an amino acid with similar properties. This amino acid position is conserved. In addition, this alteration is predicted to be tolerated by in silico analysis. Based on the available evidence, the clinical significance of this variant remains unclear.

NM_001166108.2(PALLD):c.1965-12658C>T

Gene: PALLD (palladin, cytoskeletal associated protein; plus strand). Cytogenetic location: 4q32.3.
Variant type: single nucleotide variant.
Coding change: c.1965-12658C>T on transcript NM_001166108.2 (MANE Select); 12658 bases into the intron before coding-DNA position 1965, C replaced by T.
Molecular consequence: intron variant. On other transcripts: missense variant (1).
Genome position (GRCh38, 1-based): chr4:168,878,264, C>T. VCF-style: chr4-168878264-C-T. GRCh37 (hg19) VCF-style: chr4-169799415-C-T.
Other names: c.373C>T, p.His125Tyr (NM_001166110.2); c.1965-12658C>T (NM_016081.4); c.819-12658C>T (NM_001166109.2); c.-157-12658C>T (NM_001367570.1, NM_001367568.1, NM_001367567.1 and 1 more transcripts); c.373C>T (NM_001166110.1); short protein forms H125Y.
Identifiers: ClinVar variation 1928389 (VCV001928389.6), dbSNP rs1444264117, ClinGen allele CA358796518.